The following is an entry in ClinVar:

NM_001384910.1(GUCA1A):c.*415C>T

Genes: GUCA1ANB-GUCA1A (GUCA1ANB-GUCA1A readthrough; plus strand), GUCA1A (guanylate cyclase activator 1A; plus strand). Cytogenetic location: 6p21.1.
Variant type: single nucleotide variant.
Coding change: c.*415C>T on transcript NM_001384910.1 (MANE Select); 415 bases downstream of the stop codon, C replaced by T.
Molecular consequence: 3 prime UTR variant.
Genome position (GRCh38, 1-based): chr6:42,179,818, C>T. VCF-style: chr6-42179818-C-T. GRCh37 (hg19) VCF-style: chr6-42147556-C-T.
Other names: c.*415C>T (NM_000409.5, NM_001319061.2, NM_001319062.2).
Identifiers: ClinVar variation 369546 (VCV000369546.6), dbSNP rs182201426, ClinGen allele CA10654699.

ClinVar aggregate classification (germline): Likely benign (1 of 4 stars; one submission).

Conditions:
Cone dystrophy 3 (COD3). Also called: RETINAL CONE DYSTROPHY. Identifiers: Orphanet 1872, MedGen C1865869, MONDO:0011193, OMIM 602093.

Allele frequency attached by ClinVar (database versions not stated): gnomAD exomes 0.00018; gnomAD 0.00407 and 0.00439; 1000 Genomes Project 0.00419; TOPMed 0.00447; 1000 Genomes Project 30x 0.00468.

Submission:

Illumina Laboratory Services, Illumina
Classification: Likely benign for Cone dystrophy 3. Last evaluated: 2018-01-12. Review status: criteria provided, single submitter. Criteria: ICSL Variant Classification Criteria 13 December 2019. Collection method: clinical testing. Allele origin: germline.
Comment: This variant was observed in the ICSL laboratory as part of a predisposition screen in an ostensibly healthy population. It had not been previously curated by ICSL or reported in the Human Gene Mutation Database (HGMD: prior to June 1st, 2018), and was therefore a candidate for classification through an automated scoring system. Utilizing variant allele frequency, disease prevalence and penetrance estimates, and inheritance mode, an automated score was calculated to assess if this variant is too frequent to cause the disease. Based on the score and internal cut-off values, a variant classified as likely benign is not then subjected to further curation. The score for this variant resulted in a classification of likely benign for this disease.